The following is an entry in ClinVar:

ClinVar aggregate classification (germline): Conflicting classifications of pathogenicity. Review status: criteria provided, conflicting classifications (1 of 4 stars). 6 submissions from 6 submitters: Pathogenic (1); Likely pathogenic (1); Uncertain significance (1). 3 of the submissions do not count toward it. Last evaluated 2025-10-02.

Conditions:
Malignant hyperthermia, susceptibility to, 1 (MHS1). Also called: Anesthesia related hyperthermia; Malignant hyperpyrexia; Fulminating hyperpyrexia; Pharmacogenic myopathy; RYR1-Related Malignant Hyperthermia Susceptibility; Malignant hyperthermia suceptibility 1. Identifiers: Orphanet 423, MedGen C2930980, MONDO:0007783, OMIM 145600.
RYR1-related disorder. Also called: RYR1-related disorders; RYR1-related condition. Identifiers: MedGen CN239331.
Central core myopathy (CMYO1A). Also called: CONGENITAL MYOPATHY 1A, AUTOSOMAL DOMINANT, WITH SUSCEPTIBILITY TO MALIGNANT HYPERTHERMIA; Central core disease; Myopathy, central fibrillar. Identifiers: Orphanet 597, MedGen C5830701, MONDO:0007294, OMIM 117000.

gnomAD v4.1: 4 of 1,614,100 alleles (0.00025%); highest among the groups gnomAD compares: South Asian, 0.0011%; no homozygotes.

Submissions (6):

Labcorp Genetics (formerly Invitae), Labcorp
Classification: Pathogenic for RYR1-related disorder. Last evaluated: 2025-10-02. Review status: criteria provided, single submitter. Criteria: Invitae Variant Classification Sherloc (09022015). Collection method: clinical testing. Allele origin: germline.
Comment: This sequence change replaces alanine, which is neutral and non-polar, with valine, which is neutral and non-polar, at codon 4846 of the RYR1 protein (p.Ala4846Val). This variant is not present in population databases (gnomAD no frequency). This missense change has been observed in individual(s) with autosomal recessive congenital myopathy (PMID: 17226826, 24950660, 30611313; internal data). In at least one individual the data is consistent with being in trans (on the opposite chromosome) from a pathogenic variant. It has also been observed to segregate with disease in related individuals. This variant has been reported in individual(s) with autosomal dominant centronuclear myopathy (PMID: 17204054); however, the role of the variant in this condition is currently unclear. ClinVar contains an entry for this variant (Variation ID: 65925). Invitae Evidence Modeling of protein sequence and biophysical properties (such as structural, functional, and spatial information, amino acid conservation, physicochemical variation, residue mobility, and thermodynamic stability) has been performed for this missense variant. However, the output from this modeling did not meet the statistical confidence thresholds required to predict the impact of this variant on RYR1 protein function. For these reasons, this variant has been classified as Pathogenic.

Color Diagnostics, LLC DBA Color Health
Classification: Uncertain significance for Malignant hyperthermia, susceptibility to, 1. Last evaluated: 2025-09-18. Review status: criteria provided, single submitter. Criteria: ACMG Guidelines, 2015. Collection method: clinical testing. Allele origin: germline.
Comment: This missense variant replaces alanine with valine at codon 4846 of the RYR1 protein. Computational prediction suggests that this variant may have deleterious impact on protein structure and function. To our knowledge, functional studies have not been reported for this variant. This variant has not been reported in individuals affected with autosomal dominant malignant hyperthermia in the literature, although it is associated with autosomal recessive myopathy (ClinVar variation ID: 65925). This variant has not been identified in the general population by the Genome Aggregation Database (gnomAD). Due to insufficient evidence, this variant is classified as a Variant of Uncertain Significance for autosomal dominant malignant hyperthermia.

GeneDx
Classification: Likely pathogenic. Last evaluated: 2023-03-01. Review status: criteria provided, single submitter. Criteria: GeneDx Variant Classification Process June 2021. Collection method: clinical testing. Allele origin: germline. Affected: yes.
Comment: Observed with additional RYR1 variants on the opposite allele (in trans) in an adult with mild dusty core and central core disease, and reduced RYR1 protein level via western blot (Garibaldi et al., 2019); Identified in a child with congenital myopathy who was also found to harbor the Y3933C and R3366H RYR1 variants commonly reported on the same allele (in cis); however parental testing was not performed therefore it is unknown whether all variants occurred in cis or on the opposite allele (in trans) (Rocha et al., 2014); In silico analysis supports that this missense variant has a deleterious effect on protein structure/function; Not observed at significant frequency in large population cohorts (gnomAD); This variant is associated with the following publications: (PMID: 17204054, 17226826, 25958340, 30611313, 33458582, 24950660, 28269792, 35627144, 20681998)

GeneReviews
Classification: Pathogenic for Central Core Disease. Last evaluated: 2010-05-11. Review status: no assertion criteria provided. Collection method: curation. Allele origin: unknown. Not counted in ClinVar's aggregate classification.
ClinVar note: Converted during submission from pathologic to Pathogenic.

RYR1 database
No classification provided. Review status: no classification provided. Collection method: not provided. Allele origin: unknown. Not counted in ClinVar's aggregate classification.

All of Us Research Program, National Institutes of Health
Classification: Uncertain significance for Malignant hyperthermia, susceptibility to, 1. Last evaluated: 2023-12-18. Review status: flagged submission. Criteria: ACMG Guidelines, 2015. Collection method: clinical testing. Allele origin: germline. Inheritance: Autosomal dominant inheritance. Observed: 3 variant alleles, 3 heterozygotes. Not counted in ClinVar's aggregate classification.
Comment: This missense variant replaces alanine with valine at codon 4846 of the RYR1 protein. Computational prediction suggests that this variant may have deleterious impact on protein structure and function (internally defined REVEL score threshold >= 0.7, PMID: 27666373). To our knowledge, functional studies have not been reported for this variant. This variant has not been reported in individuals affected with autosomal dominant malignant hyperthermia in the literature, although it is associated with autosomal recessive myopathy (ClinVar variation ID: 65925). This variant has not been identified in the general population by the Genome Aggregation Database (gnomAD). Due to insufficient evidence, this variant is classified as a Variant of Uncertain Significance for autosomal dominant malignant hyperthermia.

This study involves interpretation of variants in research participants for the purpose of population health screening. Participant phenotype was not available at the time of variant classification. Additional details can be found in publication PMID: 35346344, PMCID: PMC8962531
ClinVar note: Reason: Outlier claim with insufficient supporting evidence

Literature cited by the submitters: PubMed 17226826 (cited by Labcorp Genetics (formerly Invitae), Labcorp); PubMed 24950660 (cited by Labcorp Genetics (formerly Invitae), Labcorp); PubMed 30611313 (cited by Labcorp Genetics (formerly Invitae), Labcorp); PubMed 17204054 (cited by Labcorp Genetics (formerly Invitae), Labcorp).

NM_000540.3(RYR1):c.14537C>T (p.Ala4846Val)

Gene: RYR1 (ryanodine receptor 1; plus strand). Cytogenetic location: 19q13.2.
Variant type: single nucleotide variant.
Coding change: c.14537C>T on transcript NM_000540.3 (MANE Select); coding-DNA position 14537, C replaced by T.
Protein change: p.Ala4846Val; replaces alanine 4846 with valine.
Molecular consequence: missense variant.
Genome position (GRCh38, 1-based): chr19:38,580,395, C>T. VCF-style: chr19-38580395-C-T. GRCh37 (hg19) VCF-style: chr19-39071035-C-T.
Other names: c.14522C>T, p.Ala4841Val (NM_001042723.2); short protein forms A4846V, A4841V.
Identifiers: ClinVar variation 65925 (VCV000065925.13), dbSNP rs118192143, ClinGen allele CA024167.